The following is an entry in ClinVar:

ClinVar aggregate classification (germline): Uncertain significance (1 of 4 stars; one submission).

Conditions:
Cryopyrin associated periodic syndrome (CAPS). Identifiers: Orphanet 208650, MedGen C2316212, MONDO:0016168.

Submission:

Labcorp Genetics (formerly Invitae), Labcorp
Classification: Uncertain significance for Cryopyrin associated periodic syndrome. Last evaluated: 2025-05-01. Review status: criteria provided, single submitter. Criteria: Invitae Variant Classification Sherloc (09022015). Collection method: clinical testing. Allele origin: germline.
Comment: This sequence change replaces leucine, which is neutral and non-polar, with isoleucine, which is neutral and non-polar, at codon 964 of the NLRP3 protein (p.Leu964Ile). This variant is not present in population databases (gnomAD no frequency). This variant has not been reported in the literature in individuals affected with NLRP3-related conditions. Invitae Evidence Modeling of protein sequence and biophysical properties (such as structural, functional, and spatial information, amino acid conservation, physicochemical variation, residue mobility, and thermodynamic stability) indicates that this missense variant is not expected to disrupt NLRP3 protein function with a negative predictive value of 95%. In summary, the available evidence is currently insufficient to determine the role of this variant in disease. Therefore, it has been classified as a Variant of Uncertain Significance.

NM_001243133.2(NLRP3):c.2884C>A (p.Leu962Ile)

Gene: NLRP3 (NLR family pyrin domain containing 3; plus strand). Cytogenetic location: 1q44.
Variant type: single nucleotide variant.
Coding change: c.2884C>A on transcript NM_001243133.2 (MANE Select); coding-DNA position 2884, C replaced by A.
Protein change: p.Leu962Ile; replaces leucine 962 with isoleucine.
Molecular consequence: missense variant.
Genome position (GRCh38, 1-based): chr1:247,444,700, C>A. VCF-style: chr1-247444700-C-A. GRCh37 (hg19) VCF-style: chr1-247608002-C-A.
Other names: c.2884C>A, p.Leu962Ile (NM_001079821.3); c.2713C>A, p.Leu905Ile (NM_001127461.3, NM_001127462.3); c.2890C>A, p.Leu964Ile (NM_004895.5); c.2542C>A, p.Leu848Ile (NM_183395.3); short protein forms L848I, L905I, L962I, L964I.
Identifiers: ClinVar variation 4800155 (VCV004800155.1).